The following is an entry in ClinVar:

ClinVar aggregate classification (germline): Uncertain significance. Review status: criteria provided, multiple submitters, no conflicts (2 of 4 stars). 2 submissions from 2 submitters: Uncertain significance (2). Last evaluated 2025-10-14.

Conditions:
Hereditary spastic paraplegia 53. Also called: Spastic paraplegia 53, autosomal recessive. Identifiers: Orphanet 319199, MedGen C3539494, MONDO:0013962, OMIM 614898.

gnomAD v4.1: 29 of 1,613,802 alleles (0.0018%); highest among the groups gnomAD compares: Admixed American, 0.005%; no homozygotes.

Submissions (2):

Ambry Genetics
Classification: Uncertain significance. Last evaluated: 2025-10-14. Review status: criteria provided, single submitter. Criteria: Ambry Variant Classification Scheme 2023. Collection method: clinical testing. Allele origin: germline.

Labcorp Genetics (formerly Invitae), Labcorp
Classification: Uncertain significance for Hereditary spastic paraplegia 53. Last evaluated: 2024-02-29. Review status: criteria provided, single submitter. Criteria: Invitae Variant Classification Sherloc (09022015). Collection method: clinical testing. Allele origin: germline.
Comment: This sequence change replaces methionine, which is neutral and non-polar, with valine, which is neutral and non-polar, at codon 389 of the VPS37A protein (p.Met389Val). This variant is present in population databases (no rsID available, gnomAD 0.003%). This variant has not been reported in the literature in individuals affected with VPS37A-related conditions. Advanced modeling of protein sequence and biophysical properties (such as structural, functional, and spatial information, amino acid conservation, physicochemical variation, residue mobility, and thermodynamic stability) performed at Invitae indicates that this missense variant is not expected to disrupt VPS37A protein function with a negative predictive value of 80%. In summary, the available evidence is currently insufficient to determine the role of this variant in disease. Therefore, it has been classified as a Variant of Uncertain Significance.

NM_152415.3(VPS37A):c.1165A>G (p.Met389Val)

Gene: VPS37A (VPS37A subunit of ESCRT-I; plus strand). Cytogenetic location: 8p22.
Variant type: single nucleotide variant.
Coding change: c.1165A>G on transcript NM_152415.3 (MANE Select); coding-DNA position 1165, A replaced by G.
Protein change: p.Met389Val; replaces methionine 389 with valine.
Molecular consequence: missense variant.
Genome position (GRCh38, 1-based): chr8:17,286,398, A>G. VCF-style: chr8-17286398-A-G. GRCh37 (hg19) VCF-style: chr8-17143907-A-G.
Other names: c.1090A>G, p.Met364Val (NM_001145152.2); c.1147A>G, p.Met383Val (NM_001363167.1); c.895A>G, p.Met299Val (NM_001363168.1, NM_001363169.1); c.877A>G, p.Met293Val (NM_001363170.1, NM_001363171.1, NM_001363172.2); c.1165A>G, p.Met389Val (NM_001363173.2); c.1165A>G (NM_152415.2); short protein forms M293V, M299V, M389V, M364V, M383V.
Identifiers: ClinVar variation 3710305 (VCV003710305.3).